The following is an entry in ClinVar:

NM_003922.4(HERC1):c.14073A>T (p.Arg4691=)

Gene: HERC1 (HECT and RLD domain containing E3 ubiquitin protein ligase family member 1; minus strand). Cytogenetic location: 15q22.31.
Variant type: single nucleotide variant.
Coding change: c.14073A>T on transcript NM_003922.4 (MANE Select); coding-DNA position 14073, A replaced by T.
Protein change: p.Arg4691=; no amino-acid change (arginine 4691 retained).
Molecular consequence: synonymous variant.
Genome position (GRCh38, 1-based): chr15:63,615,789, T>A on the plus strand (A>T on the coding strand, the complement: HERC1 is on the minus strand). VCF-style: chr15-63615789-T-A. GRCh37 (hg19) VCF-style: chr15-63907988-T-A.
Identifiers: ClinVar variation 3025507 (VCV003025507.22), dbSNP rs988777440, ClinGen allele CA272086386.

ClinVar aggregate classification (germline): Likely benign (1 of 4 stars; one submission).

Allele frequency attached by ClinVar (database versions not stated): gnomAD exomes below 0.00001; gnomAD 0.00001; TOPMed 0.00001.
gnomAD v4.1: 3 of 1,598,974 alleles (0.00019%); highest among the groups gnomAD compares: Non-Finnish European, 0.00026%; no homozygotes.

Submission:

CeGaT Center for Human Genetics Tuebingen
Classification: Likely benign. Last evaluated: 2023-12-01. Review status: criteria provided, single submitter. Criteria: CeGaT Center For Human Genetics Tuebingen Variant Classification Criteria Version 2. Collection method: clinical testing. Allele origin: germline. Affected: yes. Observed: 1 variant allele.
Comment: HERC1: BP4, BP7